The following is an entry in ClinVar:

NM_000051.4(ATM):c.3327A>G (p.Lys1109=)

Gene: ATM (ATM serine/threonine kinase; plus strand). Cytogenetic location: 11q22.3.
Variant type: single nucleotide variant.
Coding change: c.3327A>G on transcript NM_000051.4 (MANE Select); coding-DNA position 3327, A replaced by G.
Protein change: p.Lys1109=; no amino-acid change (lysine 1109 retained).
Molecular consequence: synonymous variant.
Genome position (GRCh38, 1-based): chr11:108,279,533, A>G. VCF-style: chr11-108279533-A-G. GRCh37 (hg19) VCF-style: chr11-108150260-A-G.
Other names: c.3327A>G, p.Lys1109= (NM_001351834.2).
Identifiers: ClinVar variation 3254432 (VCV003254432.1), dbSNP rs2546862089.
Genomic context (GRCh38, chr11:108,279,533, plus strand): 5'-TTGCTTGCTTGTTTTAAGATTGTTCCAGGACACGAAGGGAGATTCTTCCAGGTTACTGAA[A>G]GCACTTCCTTTGAAGCTTCAGCAAACAGCTTTTGAAAATGCATACTTGAAAGCTCAGGAA-3'
Protein context (NP_000042.3, residues 1099-1119): DTKGDSSRLL[Lys1109=]ALPLKLQQTA

ClinVar aggregate classification (germline): Benign (1 of 4 stars; one submission).

Conditions:
Familial cancer of breast. Also called: BREAST CANCER, FAMILIAL; Hereditary breast cancer; hereditary breast carcinoma. Identifiers: Orphanet 227535, MedGen C0346153, MONDO:0016419, OMIM 114480. Disease mechanism: loss of function.

Submission:

Myriad Genetics, Inc.
Classification: Benign for Familial cancer of breast. Last evaluated: 2024-05-14. Review status: criteria provided, single submitter. Criteria: Myriad Autosomal Dominant, Autosomal Recessive and X-Linked Classification Criteria (2023). Collection method: clinical testing. Allele origin: unknown.
Comment: This variant is considered benign. This variant is a silent/synonymous amino acid change and it is not expected to impact splicing.